The following is an entry in ClinVar:

NM_006231.4(POLE):c.1362T>C (p.Thr454=)

Gene: POLE (DNA polymerase epsilon, catalytic subunit; minus strand). Cytogenetic location: 12q24.33.
Variant type: single nucleotide variant.
Coding change: c.1362T>C on transcript NM_006231.4 (MANE Select); coding-DNA position 1362, T replaced by C.
Protein change: p.Thr454=; no amino-acid change (threonine 454 retained).
Molecular consequence: synonymous variant.
Genome position (GRCh38, 1-based): chr12:132,673,275, A>G on the plus strand (T>C on the coding strand, the complement: POLE is on the minus strand). VCF-style: chr12-132673275-A-G. GRCh37 (hg19) VCF-style: chr12-133249861-A-G.
Identifiers: ClinVar variation 3904187 (VCV003904187.1).

ClinVar aggregate classification (germline): Benign (1 of 4 stars; one submission).

Conditions:
Colorectal cancer, susceptibility to, 12 (CRCS12). Also called: COLORECTAL CANCER, SUSCEPTIBILITY TO, ON CHROMOSOME 12q24. Identifiers: Orphanet 220460, MedGen C3554460, MONDO:0014038, OMIM 615083.

gnomAD v4.1: 1 of 1,596,594 alleles (0.000063%); highest among the groups gnomAD compares: East Asian, 0.0022%; no homozygotes.

Submission:

Myriad Genetics, Inc.
Classification: Benign for Colorectal cancer, susceptibility to, 12. Last evaluated: 2025-02-11. Review status: criteria provided, single submitter. Criteria: Myriad Autosomal Dominant, Autosomal Recessive and X-Linked Classification Criteria (2023). Collection method: clinical testing. Allele origin: unknown.
Comment: This variant is considered benign. This variant is a silent/synonymous amino acid change and it is not expected to impact splicing.